The following is an entry in ClinVar:

ClinVar aggregate classification (germline): Pathogenic (1 of 4 stars; one submission).

Conditions:
Spastic paraplegia. Identifiers: MedGen C0037772, HP:0001258.

gnomAD v4.1: 4 of 1,614,050 alleles (0.00025%); highest among the groups gnomAD compares: Admixed American, 0.0067%; no homozygotes.

Submission:

Labcorp Genetics (formerly Invitae), Labcorp
Classification: Pathogenic for Spastic paraplegia. Last evaluated: 2024-05-22. Review status: criteria provided, single submitter. Criteria: Invitae Variant Classification Sherloc (09022015). Collection method: clinical testing. Allele origin: germline.
Comment: This sequence change creates a premature translational stop signal (p.Glu123*) in the ERLIN2 gene. It is expected to result in an absent or disrupted protein product. Loss-of-function variants in ERLIN2 are known to be pathogenic (PMID: 21330303, 23109145, 24482476, 27824013). This variant is present in population databases (no rsID available, gnomAD 0.009%). This variant has not been reported in the literature in individuals affected with ERLIN2-related conditions. ClinVar contains an entry for this variant (Variation ID: 1071452). For these reasons, this variant has been classified as Pathogenic.

Literature cited by the submitters: PubMed 21330303; PubMed 23109145; PubMed 24482476; PubMed 27824013.

NM_007175.8(ERLIN2):c.367G>T (p.Glu123Ter)

Gene: ERLIN2 (ER lipid raft associated 2; plus strand). Cytogenetic location: 8p11.23.
Variant type: single nucleotide variant.
Coding change: c.367G>T on transcript NM_007175.8 (MANE Select); coding-DNA position 367, G replaced by T.
Protein change: p.Glu123Ter; replaces glutamic acid 123 with a stop codon.
Molecular consequence: nonsense.
Genome position (GRCh38, 1-based): chr8:37,744,639, G>T. VCF-style: chr8-37744639-G-T. GRCh37 (hg19) VCF-style: chr8-37602157-G-T.
Other names: c.367G>T, p.Glu123Ter (NM_001003790.4, NM_001003791.3, NM_001362878.2 and 1 more transcripts); short protein forms E123*.
Identifiers: ClinVar variation 1071452 (VCV001071452.5), dbSNP rs1393816662, ClinGen allele CA370652562.